The following is an entry in ClinVar:

NM_173630.4(RTTN):c.1142A>C (p.Gln381Pro)

Gene: RTTN (rotatin; minus strand). Cytogenetic location: 18q22.2.
Variant type: single nucleotide variant.
Coding change: c.1142A>C on transcript NM_173630.4 (MANE Select); coding-DNA position 1142, A replaced by C.
Protein change: p.Gln381Pro; replaces glutamine 381 with proline.
Molecular consequence: missense variant. On other transcripts: 5 prime UTR variant (1).
Genome position (GRCh38, 1-based): chr18:70,190,585, T>G on the plus strand (A>C on the coding strand, the complement: RTTN is on the minus strand). VCF-style: chr18-70190585-T-G. GRCh37 (hg19) VCF-style: chr18-67857821-T-G.
Other names: c.-1412A>C (NM_001318520.2); short protein forms Q381P.
Identifiers: ClinVar variation 4740173 (VCV004740173.1).

ClinVar aggregate classification (germline): Uncertain significance (1 of 4 stars; one submission).

Submission:

Labcorp Genetics (formerly Invitae), Labcorp
Classification: Uncertain significance. Last evaluated: 2025-07-09. Review status: criteria provided, single submitter. Criteria: Invitae Variant Classification Sherloc (09022015). Collection method: clinical testing. Allele origin: germline.
Comment: This sequence change replaces glutamine, which is neutral and polar, with proline, which is neutral and non-polar, at codon 381 of the RTTN protein (p.Gln381Pro). This variant is not present in population databases (gnomAD no frequency). This variant has not been reported in the literature in individuals affected with RTTN-related conditions. Invitae Evidence Modeling of protein sequence and biophysical properties (such as structural, functional, and spatial information, amino acid conservation, physicochemical variation, residue mobility, and thermodynamic stability) indicates that this missense variant is expected to disrupt RTTN protein function with a positive predictive value of 80%. In summary, the available evidence is currently insufficient to determine the role of this variant in disease. Therefore, it has been classified as a Variant of Uncertain Significance.